The following is an entry in ClinVar:

ClinVar aggregate classification (germline): Pathogenic (1 of 4 stars; one submission).

Conditions:
Spastic paraplegia. Identifiers: MedGen C0037772, HP:0001258.

Submission:

Labcorp Genetics (formerly Invitae), Labcorp
Classification: Pathogenic for Spastic paraplegia. Last evaluated: 2023-12-13. Review status: criteria provided, single submitter. Criteria: Invitae Variant Classification Sherloc (09022015). Collection method: clinical testing. Allele origin: germline.
Comment: This sequence change creates a premature translational stop signal (p.Ile2253Phefs*9) in the ZFYVE26 gene. It is expected to result in an absent or disrupted protein product. Loss-of-function variants in ZFYVE26 are known to be pathogenic (PMID: 18394578, 19805727). This variant is not present in population databases (gnomAD no frequency). This variant has not been reported in the literature in individuals affected with ZFYVE26-related conditions. ClinVar contains an entry for this variant (Variation ID: 1073502). For these reasons, this variant has been classified as Pathogenic.

Literature cited by the submitters: PubMed 18394578; PubMed 19805727.

NM_015346.4(ZFYVE26):c.6757del (p.Ile2253fs)

Gene: ZFYVE26 (zinc finger FYVE-type containing 26; minus strand). Cytogenetic location: 14q24.1.
Variant type: Deletion.
Coding change: c.6757del on transcript NM_015346.4 (MANE Select); coding-DNA position 6757, one base deleted (A; older notation c.6757delA).
Protein change: p.Ile2253fs; shifts the reading frame from isoleucine 2253.
Molecular consequence: frameshift variant.
Genome position (GRCh38, 1-based): chr14:67,755,977, T deleted on the plus strand (A on the coding strand, the reverse complement: ZFYVE26 is on the minus strand). VCF-style (leftmost placement, unchanged base first): chr14-67755976-AT-A. GRCh37 (hg19) VCF-style: chr14-68222693-AT-A.
Other names: short protein forms I2253fs.
Identifiers: ClinVar variation 1073502 (VCV001073502.8), dbSNP rs2140185372, ClinGen allele CA2499222690.
Genomic context (GRCh38, chr14:67,755,976, plus strand): 5'-AGAGGTAGAAGGCAGGAAGGGGCTGCCATTACCTTCATAAACTGCTGCAGCTCATACAGA[AT>A]GTGGTAGTAGTTCTTCTTCTGTAAATGTTGGCAGGCAGCAATCAAGTACTTTCCCCAGCT-3'